The following is an entry in ClinVar:

ClinVar aggregate classification (germline): Likely benign. Review status: criteria provided, single submitter (1 of 4 stars). 4 submissions from 4 submitters: Likely benign (1). 3 of the submissions do not count toward it. Last evaluated 2025-12-17.

Conditions:
DNAI1-related disorder. Also called: DNAI1-related condition.
Kartagener syndrome (CILD1). Also called: IMMOTILE CILIA SYNDROME; POLYNESIAN BRONCHIECTASIS; SIEWERT SYNDROME; CILIARY DYSKINESIA, PRIMARY, 1; CILIARY DYSKINESIA, PRIMARY, 1, WITH OR WITHOUT SITUS INVERSUS; Dextrocardia bronchiectasis and sinusitis. Identifiers: Orphanet 244, MedGen C4551906, MONDO:0009484, OMIM 244400.
Primary ciliary dyskinesia. Also called: Ciliary dyskinesia. Identifiers: Orphanet 244, MedGen C0008780, MONDO:0016575, HP:0012265.

Submissions (4):

Labcorp Genetics (formerly Invitae), Labcorp
Classification: Likely benign for Primary ciliary dyskinesia. Last evaluated: 2025-12-17. Review status: criteria provided, single submitter. Criteria: Invitae Variant Classification Sherloc (09022015). Collection method: clinical testing. Allele origin: germline.

PreventionGenetics, part of Exact Sciences
Classification: Likely benign for DNAI1-related condition. Last evaluated: 2021-04-05. Review status: no assertion criteria provided. Collection method: clinical testing. Allele origin: germline. Not counted in ClinVar's aggregate classification.
Comment: This variant is classified as likely benign based on ACMG/AMP sequence variant interpretation guidelines (Richards et al. 2015 PMID: 25741868, with internal and published modifications).

Natera, Inc.
Classification: Likely benign for Primary ciliary dyskinesia. Last evaluated: 2020-09-16. Review status: no assertion criteria provided. Collection method: clinical testing. Allele origin: germline. Not counted in ClinVar's aggregate classification.

Counsyl
Classification: Uncertain significance for Kartagener syndrome. Last evaluated: 2017-08-25. Review status: no assertion criteria provided. Collection method: clinical testing. Allele origin: unknown. Not counted in ClinVar's aggregate classification.

Literature cited by the submitters: PubMed 16858015 (cited by Counsyl).

NM_012144.4(DNAI1):c.520GAA[2] (p.Glu176del)

Gene: DNAI1 (dynein axonemal intermediate chain 1; plus strand). Cytogenetic location: 9p13.3.
Variant type: Microsatellite.
Coding change: c.520GAA[2] on transcript NM_012144.4 (MANE Select); two copies in a row of the 3-base unit GAA starting at c.520; the reference has three copies in a row; one copy, 3 bases deleted; also written c.526_528del.
Protein change: p.Glu176del; deletes glutamic acid 176.
Molecular consequence: inframe deletion.
Genome position (GRCh38, 1-based): chr9:34,490,393-34,490,395, GAA deleted; deleting any 3 consecutive bases within chr9:34,490,387-34,490,395 gives the same sequence; the position shown is the placement nearest the transcript's 3' end. VCF-style (leftmost placement, unchanged base first): chr9-34490386-TGAA-T. GRCh37 (hg19) VCF-style: chr9-34490384-TGAA-T.
Other names: c.532GAA[2], p.Glu180del (NM_001281428.2); c.526_528delGAA (NM_012144.4); c.526_528del (NM_012144.3); short protein forms E176del, E180del.
Identifiers: ClinVar variation 240857 (VCV000240857.15), dbSNP rs878854967, ClinGen allele CA5034092.